The following is an entry in ClinVar:

NM_174934.4(SCN4B):c.191T>G (p.Leu64Arg)

Gene: SCN4B (sodium voltage-gated channel beta subunit 4; minus strand). Cytogenetic location: 11q23.3.
Variant type: single nucleotide variant.
Coding change: c.191T>G on transcript NM_174934.4 (MANE Select); coding-DNA position 191, T replaced by G.
Protein change: p.Leu64Arg; replaces leucine 64 with arginine.
Molecular consequence: missense variant. On other transcripts: 5 prime UTR variant (1), non-coding transcript variant (1), intron variant (1).
Genome position (GRCh38, 1-based): chr11:118,145,100, A>C on the plus strand (T>G on the coding strand, the complement: SCN4B is on the minus strand). VCF-style: chr11-118145100-A-C. GRCh37 (hg19) VCF-style: chr11-118015815-A-C.
Other names: c.-140T>G (NM_001142349.2); c.62-3764T>G (NM_001142348.2); short protein forms L64R.
Identifiers: ClinVar variation 4864154 (VCV004864154.1).

ClinVar aggregate classification (germline): Uncertain significance (1 of 4 stars; one submission).

Conditions:
Cardiovascular phenotype. Identifiers: MedGen CN230736.

Submission:

Ambry Genetics
Classification: Uncertain significance for Cardiovascular phenotype. Last evaluated: 2026-04-11. Review status: criteria provided, single submitter. Criteria: Ambry Variant Classification Scheme 2023. Collection method: clinical testing. Allele origin: germline.
Comment: The p.L64R variant (also known as c.191T>G), located in coding exon 2 of the SCN4B gene, results from a T to G substitution at nucleotide position 191. The leucine at codon 64 is replaced by arginine, an amino acid with dissimilar properties. This amino acid position is conserved. In addition, this alteration is predicted to be deleterious by in silico analysis. Based on the available evidence, the clinical significance of this variant remains unclear.